The following is an entry in ClinVar:

ClinVar aggregate classification (germline): Uncertain significance (1 of 4 stars; one submission).

Conditions:
Familial adenomatous polyposis 1 (FAP1). Also called: POLYPOSIS, ADENOMATOUS INTESTINAL; FAMILIAL ADENOMATOUS POLYPOSIS 1, ATTENUATED. Identifiers: MedGen C2713442, MONDO:0021056, OMIM 175100. Disease mechanism: loss of function.

Submission:

Labcorp Genetics (formerly Invitae), Labcorp
Classification: Uncertain significance for Familial adenomatous polyposis 1. Last evaluated: 2025-11-05. Review status: criteria provided, single submitter. Criteria: Invitae Variant Classification Sherloc (09022015). Collection method: clinical testing. Allele origin: germline.
Comment: This variant occurs in a non-coding region of the APC gene. It does not change the encoded amino acid sequence of the APC protein. This variant is not present in population databases (gnomAD no frequency). This variant has not been reported in the literature in individuals affected with APC-related conditions. In summary, the available evidence is currently insufficient to determine the role of this variant in disease. Therefore, it has been classified as a Variant of Uncertain Significance.

NM_001127511.3(APC):c.-180A>G

Gene: APC (APC regulator of Wnt signaling pathway; plus strand). Cytogenetic location: 5q22.2.
Variant type: single nucleotide variant.
Coding change: c.-180A>G on transcript NM_001127511.3; 180 bases upstream of the start codon, A replaced by G.
Molecular consequence: 5 prime UTR variant. On other transcripts: non-coding transcript variant (2).
Genome position (GRCh38, 1-based): chr5:112,707,538, A>G. VCF-style: chr5-112707538-A-G. GRCh37 (hg19) VCF-style: chr5-112043235-A-G.
Other names: c.-363A>G (NM_001354895.2, NM_001407447.1, NM_001407452.1 and 3 more transcripts); c.-180A>G (NM_001354897.2, NM_001354902.2, NM_001407446.1); c.-130A>G (NM_001407448.1, NM_001407450.1, NM_001407457.1 and 1 more transcripts); c.-154A>G (NM_001407453.1); c.-1398A>G (NM_001407470.1, NM_001407472.1).
Identifiers: ClinVar variation 4807871 (VCV004807871.1).
Genomic context (GRCh38, chr5:112,707,538, plus strand): 5'-GCAACACCTCTCACGCATGCGCATTGTAGTCTTCCCACCTCCCACAAGATGGCGGAGGGC[A>G]AGTAGCAAGGGGGCGGGGTGTGGCCGCCGGAAGCCTAGCCGCTGCTCGGGGGGGACCTGC-3'